The following is an entry in ClinVar:

ClinVar aggregate classification (germline): Uncertain significance (1 of 4 stars; one submission).

Conditions:
Developmental and epileptic encephalopathy, 9 (DEE9). Also called: Early infantile epileptic encephalopathy 9; PCDH19-Related X-Linked Female-Limited Epilepsy with Mental Retardation; EPILEPSY, FEMALE-RESTRICTED, WITH MENTAL RETARDATION; JUBERG-HELLMAN SYNDROME. Identifiers: Orphanet 101039, Orphanet 2076, MedGen C1848137, MONDO:0010246, OMIM 300088. Disease mechanism: loss of function.

Allele frequency attached by ClinVar (database versions not stated): gnomAD exomes below 0.00001; gnomAD 0.00001; TOPMed 0.00001.
gnomAD v4.1: 2 of 1,211,097 alleles (0.00017%); highest among the groups gnomAD compares: Non-Finnish European, 0.00022%; no homozygotes.

Submission:

Labcorp Genetics (formerly Invitae), Labcorp
Classification: Uncertain significance for Developmental and epileptic encephalopathy, 9. Last evaluated: 2023-10-05. Review status: criteria provided, single submitter. Criteria: Invitae Variant Classification Sherloc (09022015). Collection method: clinical testing. Allele origin: germline.
Comment: This sequence change replaces asparagine, which is neutral and polar, with aspartic acid, which is acidic and polar, at codon 282 of the PCDH19 protein (p.Asn282Asp). This variant is not present in population databases (gnomAD no frequency). This variant has not been reported in the literature in individuals affected with PCDH19-related conditions. Advanced modeling of protein sequence and biophysical properties (such as structural, functional, and spatial information, amino acid conservation, physicochemical variation, residue mobility, and thermodynamic stability) performed at Invitae indicates that this missense variant is not expected to disrupt PCDH19 protein function. In summary, the available evidence is currently insufficient to determine the role of this variant in disease. Therefore, it has been classified as a Variant of Uncertain Significance.

NM_001184880.2(PCDH19):c.844A>G (p.Asn282Asp)

Gene: PCDH19 (protocadherin 19; minus strand). Cytogenetic location: Xq22.1.
Variant type: single nucleotide variant.
Coding change: c.844A>G on transcript NM_001184880.2 (MANE Select); coding-DNA position 844, A replaced by G.
Protein change: p.Asn282Asp; replaces asparagine 282 with aspartic acid.
Molecular consequence: missense variant.
Genome position (GRCh38, 1-based): chrX:100,407,754, T>C on the plus strand (A>G on the coding strand, the complement: PCDH19 is on the minus strand). VCF-style: chrX-100407754-T-C. GRCh37 (hg19) VCF-style: chrX-99662752-T-C.
Other names: c.844A>G, p.Asn282Asp (NM_001105243.2, NM_020766.3); short protein forms N282D.
Identifiers: ClinVar variation 2966996 (VCV002966996.3), dbSNP rs927205094, ClinGen allele CA333826085.